The following is an entry in ClinVar:

NM_177438.3(DICER1):c.1353A>G (p.Arg451=)

Gene: DICER1 (dicer 1, ribonuclease III; minus strand). Cytogenetic location: 14q32.13.
Variant type: single nucleotide variant.
Coding change: c.1353A>G on transcript NM_177438.3 (MANE Select); coding-DNA position 1353, A replaced by G.
Protein change: p.Arg451=; no amino-acid change (arginine 451 retained).
Molecular consequence: synonymous variant.
Genome position (GRCh38, 1-based): chr14:95,124,219, T>C on the plus strand (A>G on the coding strand, the complement: DICER1 is on the minus strand). VCF-style: chr14-95124219-T-C. GRCh37 (hg19) VCF-style: chr14-95590556-T-C.
Other names: NM_177438.3(DICER1):c.1353A>G; p.Arg451=; c.1353A>G, p.Arg451= (NM_001195573.1, NM_001271282.3, NM_001291628.2 and 1 more transcripts).
Identifiers: ClinVar variation 412195 (VCV000412195.13), dbSNP rs1060503663, ClinGen allele CA16614702.

ClinVar aggregate classification (germline): Uncertain significance. Review status: reviewed by expert panel (3 of 4 stars). 3 submissions from 3 submitters: Uncertain significance (1). 2 of the submissions do not count toward it. Last evaluated 2025-10-28.

Conditions:
DICER1-related tumor predisposition. Also called: DICER1-related pleuropulmonary blastoma cancer predisposition syndrome; DICER1 syndrome. Identifiers: Orphanet 284343, MedGen C3839822, MONDO:0100216.
Hereditary cancer-predisposing syndrome. Also called: Hereditary neoplastic syndrome; Neoplastic Syndromes, Hereditary; Tumor predisposition; Hereditary Cancer Syndrome. Identifiers: Orphanet 140162, MedGen C0027672, MeSH D009386, MONDO:0015356.

Allele frequency attached by ClinVar (database versions not stated): gnomAD exomes below 0.00001; TOPMed 0.00001.
gnomAD v4.1: 2 of 1,613,688 alleles (0.00012%); highest among the groups gnomAD compares: East Asian, 0.0045%; no homozygotes.

Submissions (3):

ClinGen DICER1 and miRNA-Processing Gene Variant Curation Expert Panel, ClinGen
Classification: Uncertain significance for DICER1-related tumor predisposition. Last evaluated: 2025-10-28. Review status: reviewed by expert panel. Criteria: ClinGen DICER1 ACMG Specifications DICER1 V1.4.0. Collection method: curation. Allele origin: germline. Inheritance: Autosomal dominant inheritance.
Comment: The NM_177438.3:c.1353A>G (p.Arg451=) variant in DICER1 is a synonymous (silent) variant. Although this variant has been observed in individuals undergoing genetic sequencing, to our knowledge, this variant has not been reported in individuals with DICER1-related tumor predisposition (PS4 not met; Internal lab contributors). This variant has an allele frequency of 0.000001 (2/1613688 alleles) across gnomAD v4.1.0 with a highest population minor allele frequency of 0.00004 (2/44884 alleles) in East Asian population and with multiple alleles present in the East Asian population (PM2_Supporting, BS1, and BA1 are not met). The splice site predictors MaxEntScan and SpliceAI indicate that the variant impacts splicing, evidence that correlates with impact to DICER1 function (PP3). In summary, this variant meets the criteria to be classified as Uncertain Significance for DICER1-related tumor predisposition based on the ACMG/AMP criteria applied, as specified by the ClinGen DICER1 VCEP: PP3. (Bayesian Points: 1; VCEP specifications version 1.4.0; 10/28/2025).

Labcorp Genetics (formerly Invitae), Labcorp
Classification: Uncertain significance for DICER1-related tumor predisposition. Last evaluated: 2025-10-29. Review status: criteria provided, single submitter. Criteria: Invitae Variant Classification Sherloc (09022015). Collection method: clinical testing. Allele origin: germline. Not counted in ClinVar's aggregate classification.
Comment: This sequence change affects codon 451 of the DICER1 mRNA. It is a 'silent' change, meaning that it does not change the encoded amino acid sequence of the DICER1 protein. This variant is present in population databases (no rsID available, gnomAD 0.006%). This variant has not been reported in the literature in individuals affected with DICER1-related conditions. ClinVar contains an entry for this variant (Variation ID: 412195). Algorithms developed to predict the effect of sequence changes on RNA splicing suggest that this variant may create or strengthen a splice site. In summary, the available evidence is currently insufficient to determine the role of this variant in disease. Therefore, it has been classified as a Variant of Uncertain Significance.

Ambry Genetics
Classification: Likely benign for Hereditary cancer-predisposing syndrome. Last evaluated: 2019-04-03. Review status: criteria provided, single submitter. Criteria: Ambry Variant Classification Scheme 2023. Collection method: clinical testing. Allele origin: germline. Not counted in ClinVar's aggregate classification.